The following is an entry in ClinVar:

NM_005562.3(LAMC2):c.395A>G (p.Gln132Arg)

Gene: LAMC2 (laminin subunit gamma 2; plus strand). Cytogenetic location: 1q25.3.
Variant type: single nucleotide variant.
Coding change: c.395A>G on transcript NM_005562.3 (MANE Select); coding-DNA position 395, A replaced by G.
Protein change: p.Gln132Arg; replaces glutamine 132 with arginine.
Molecular consequence: missense variant.
Genome position (GRCh38, 1-based): chr1:183,215,579, A>G. VCF-style: chr1-183215579-A-G. GRCh37 (hg19) VCF-style: chr1-183184714-A-G.
Other names: c.395A>G, p.Gln132Arg (NM_018891.3); short protein forms Q132R.
Identifiers: ClinVar variation 1973160 (VCV001973160.4), dbSNP rs772329946, ClinGen allele CA1282317.

ClinVar aggregate classification (germline): Uncertain significance (1 of 4 stars; one submission).

Allele frequency attached by ClinVar (database versions not stated): gnomAD 0.00001; gnomAD exomes 0.00001; TOPMed below 0.00001; ExAC 0.00001.
gnomAD v4.1: 6 of 1,614,064 alleles (0.00037%); highest among the groups gnomAD compares: Admixed American, 0.0017%; no homozygotes.

Submission:

Labcorp Genetics (formerly Invitae), Labcorp
Classification: Uncertain significance. Last evaluated: 2025-03-31. Review status: criteria provided, single submitter. Criteria: Invitae Variant Classification Sherloc (09022015). Collection method: clinical testing. Allele origin: germline.
Comment: This sequence change replaces glutamine, which is neutral and polar, with arginine, which is basic and polar, at codon 132 of the LAMC2 protein (p.Gln132Arg). This variant is present in population databases (rs772329946, gnomAD 0.0009%). This variant has not been reported in the literature in individuals affected with LAMC2-related conditions. ClinVar contains an entry for this variant (Variation ID: 1973160). An algorithm developed to predict the effect of missense changes on protein structure and function outputs the following: PolyPhen-2: "Benign". The arginine amino acid residue is found in multiple mammalian species, which suggests that this missense change does not adversely affect protein function. In summary, the available evidence is currently insufficient to determine the role of this variant in disease. Therefore, it has been classified as a Variant of Uncertain Significance.